The following is an entry in ClinVar:

NM_001365999.1(SZT2):c.5185A>G (p.Ser1729Gly)

Gene: SZT2 (SZT2 subunit of KICSTOR complex; plus strand). Cytogenetic location: 1p34.2.
Variant type: single nucleotide variant.
Coding change: c.5185A>G on transcript NM_001365999.1 (MANE Select); coding-DNA position 5185, A replaced by G.
Protein change: p.Ser1729Gly; replaces serine 1729 with glycine.
Molecular consequence: missense variant.
Genome position (GRCh38, 1-based): chr1:43,431,812, A>G. VCF-style: chr1-43431812-A-G. GRCh37 (hg19) VCF-style: chr1-43897483-A-G.
Other names: c.5014A>G, p.Ser1672Gly (NM_015284.4); short protein forms S1672G, S1729G.
Identifiers: ClinVar variation 1042204 (VCV001042204.8), dbSNP rs1653924935, ClinGen allele CA340023577.

ClinVar aggregate classification (germline): Uncertain significance (1 of 4 stars; one submission).

Allele frequency attached by ClinVar (database versions not stated): gnomAD exomes below 0.00001.
gnomAD v4.1: 1 of 1,614,188 alleles (0.000062%); highest among the groups gnomAD compares: Non-Finnish European, 0.000085%; no homozygotes.

Submission:

Labcorp Genetics (formerly Invitae), Labcorp
Classification: Uncertain significance. Last evaluated: 2025-08-21. Review status: criteria provided, single submitter. Criteria: Invitae Variant Classification Sherloc (09022015). Collection method: clinical testing. Allele origin: germline.
Comment: This sequence change replaces serine, which is neutral and polar, with glycine, which is neutral and non-polar, at codon 1672 of the SZT2 protein (p.Ser1672Gly). This variant is not present in population databases (gnomAD no frequency). This variant has not been reported in the literature in individuals affected with SZT2-related conditions. ClinVar contains an entry for this variant (Variation ID: 1042204). Invitae Evidence Modeling of protein sequence and biophysical properties (such as structural, functional, and spatial information, amino acid conservation, physicochemical variation, residue mobility, and thermodynamic stability) indicates that this missense variant is not expected to disrupt SZT2 protein function with a negative predictive value of 80%. In summary, the available evidence is currently insufficient to determine the role of this variant in disease. Therefore, it has been classified as a Variant of Uncertain Significance.